The following is an entry in ClinVar:

NM_002439.5(MSH3):c.3026C>T (p.Thr1009Ile)

Gene: MSH3 (mutS homolog 3; plus strand). Cytogenetic location: 5q14.1.
Variant type: single nucleotide variant.
Coding change: c.3026C>T on transcript NM_002439.5 (MANE Select); coding-DNA position 3026, C replaced by T.
Protein change: p.Thr1009Ile; replaces threonine 1009 with isoleucine.
Molecular consequence: missense variant.
Genome position (GRCh38, 1-based): chr5:80,864,838, C>T. VCF-style: chr5-80864838-C-T. GRCh37 (hg19) VCF-style: chr5-80160657-C-T.
Other names: c.3026C>T (NM_002439.3); short protein forms T1009I.
Identifiers: ClinVar variation 1057602 (VCV001057602.10), dbSNP rs2112118369, ClinGen allele CA360346126.

ClinVar aggregate classification (germline): Uncertain significance. Review status: criteria provided, multiple submitters, no conflicts (2 of 4 stars). 2 submissions from 2 submitters: Uncertain significance (2). Last evaluated 2025-04-21.

Conditions:
Hereditary cancer-predisposing syndrome. Also called: Hereditary Cancer Syndrome; Tumor predisposition; Hereditary neoplastic syndrome; Neoplastic Syndromes, Hereditary. Identifiers: Orphanet 140162, MedGen C0027672, MeSH D009386, MONDO:0015356.

Submissions (2):

Ambry Genetics
Classification: Uncertain significance for Hereditary cancer-predisposing syndrome. Last evaluated: 2025-04-21. Review status: criteria provided, single submitter. Criteria: Ambry Variant Classification Scheme 2023. Collection method: clinical testing. Allele origin: germline.
Comment: The p.T1009I variant (also known as c.3026C>T), located in coding exon 22 of the MSH3 gene, results from a C to T substitution at nucleotide position 3026. The threonine at codon 1009 is replaced by isoleucine, an amino acid with similar properties. This amino acid position is highly conserved in available vertebrate species. In addition, this alteration is predicted to be deleterious by in silico analysis. Based on the available evidence, the clinical significance of this variant remains unclear.

Labcorp Genetics (formerly Invitae), Labcorp
Classification: Uncertain significance. Last evaluated: 2020-09-01. Review status: criteria provided, single submitter. Criteria: Invitae Variant Classification Sherloc (09022015). Collection method: clinical testing. Allele origin: germline.
Comment: This sequence change replaces threonine with isoleucine at codon 1009 of the MSH3 protein (p.Thr1009Ile). The threonine residue is moderately conserved and there is a moderate physicochemical difference between threonine and isoleucine. This variant is not present in population databases (ExAC no frequency). This variant has not been reported in the literature in individuals with MSH3-related conditions. Algorithms developed to predict the effect of missense changes on protein structure and function are either unavailable or do not agree on the potential impact of this missense change (SIFT: "Deleterious"; PolyPhen-2: "Probably Damaging"; Align-GVGD: "Class C0"). In summary, the available evidence is currently insufficient to determine the role of this variant in disease. Therefore, it has been classified as a Variant of Uncertain Significance.